The following is an entry in ClinVar:

ClinVar aggregate classification (germline): Conflicting classifications of pathogenicity. Review status: criteria provided, conflicting classifications (1 of 4 stars). 6 submissions from 6 submitters: Uncertain significance (1); Benign (2); Likely benign (2). 1 of the submissions does not count toward it. Last evaluated 2026-02-02.

Conditions:
Occult macular dystrophy (OCMD). Also called: OMD; OCCULT MACULAR DYSTROPHY, SUSCEPTIBILITY TO. Identifiers: Orphanet 247834, MedGen C3150833, MONDO:0013316, OMIM 613587, HP:0030636.
RP1L1-related disorder. Also called: RP1L1-related condition.

Allele frequency attached by ClinVar (database versions not stated): 1000 Genomes Project 0.00020; 1000 Genomes Project 30x 0.00031; gnomAD 0.00153 and 0.00158; ExAC 0.00164; TOPMed 0.00167; gnomAD exomes 0.00170; ESP Exome Variant Server 0.00182.
gnomAD v4.1: 4,173 of 1,614,142 alleles (0.26%); highest among the groups gnomAD compares: Non-Finnish European, 0.31%; 14 homozygotes.

Submissions (6):

Labcorp Genetics (formerly Invitae), Labcorp
Classification: Benign. Last evaluated: 2026-02-02. Review status: criteria provided, single submitter. Criteria: Invitae Variant Classification Sherloc (09022015). Collection method: clinical testing. Allele origin: germline.

Blueprint Genetics
Classification: Likely benign. Last evaluated: 2024-10-31. Review status: criteria provided, single submitter. Criteria: ACMG Guidelines, 2015. Collection method: clinical testing. Allele origin: germline.

CeGaT Center for Human Genetics Tuebingen
Classification: Likely benign. Last evaluated: 2024-07-01. Review status: criteria provided, single submitter. Criteria: CeGaT Center For Human Genetics Tuebingen Variant Classification Criteria Version 2. Collection method: clinical testing. Allele origin: germline. Affected: yes. Observed: 5 variant alleles.
Comment: RP1L1: BS2

GeneDx
Classification: Uncertain significance. Last evaluated: 2018-10-18. Review status: criteria provided, single submitter. Criteria: GeneDx Variant Classification (06012015). Collection method: clinical testing. Allele origin: germline. Affected: yes.
Comment: The P73S variant in the RP1L1 gene has not been reported previously as a pathogenic variant, nor as a benign variant, to our knowledge. The P73S variant is observed in 178/65484 (0.3%) alleles from individuals of European background, in the ExAC dataset (Lek et al., 2016). The P73S variant is a non-conservative amino acid substitution, which is likely to impact secondary protein structure as these residues differ in polarity, charge, size and/or other properties. This substitution occurs at a position that is conserved in mammals. In silico analysis predicts this variant is probably damaging to the protein structure/function. We interpret P73S as a variant of uncertain significance.

Illumina Laboratory Services, Illumina
Classification: Benign for Occult macular dystrophy. Last evaluated: 2018-01-13. Review status: criteria provided, single submitter. Criteria: ICSL Variant Classification Criteria 13 December 2019. Collection method: clinical testing. Allele origin: germline.
Comment: This variant was observed in the ICSL laboratory as part of a predisposition screen in an ostensibly healthy population. It had not been previously curated by ICSL or reported in the Human Gene Mutation Database (HGMD: prior to June 1st, 2018), and was therefore a candidate for classification through an automated scoring system. Utilizing variant allele frequency, disease prevalence and penetrance estimates, and inheritance mode, an automated score was calculated to assess if this variant is too frequent to cause the disease. Based on the score and internal cut-off values, a variant classified as benign is not then subjected to further curation. The score for this variant resulted in a classification of benign for this disease.

PreventionGenetics, part of Exact Sciences
Classification: Likely benign for RP1L1-related condition. Last evaluated: 2022-03-22. Review status: no assertion criteria provided. Collection method: clinical testing. Allele origin: germline. Not counted in ClinVar's aggregate classification.
Comment: This variant is classified as likely benign based on ACMG/AMP sequence variant interpretation guidelines (Richards et al. 2015 PMID: 25741868, with internal and published modifications).

NM_178857.6(RP1L1):c.217C>T (p.Pro73Ser)

Gene: RP1L1 (RP1 like 1). Cytogenetic location: 8p23.1.
Variant type: single nucleotide variant.
Coding change: c.217C>T on transcript NM_178857.6 (MANE Select); coding-DNA position 217, C replaced by T.
Protein change: p.Pro73Ser; replaces proline 73 with serine.
Molecular consequence: missense variant.
Genome position (GRCh38, 1-based): chr8:10,622,985, G>A on the plus strand (C>T on the coding strand, the complement: RP1L1 is on the minus strand). VCF-style: chr8-10622985-G-A. GRCh37 (hg19) VCF-style: chr8-10480495-G-A.
Other names: short protein forms P73S.
Identifiers: ClinVar variation 361422 (VCV000361422.60), dbSNP rs202082944, ClinGen allele CA4625814.